The following is an entry in ClinVar:

ClinVar aggregate classification (germline): Uncertain significance. Review status: criteria provided, multiple submitters, no conflicts (2 of 4 stars). 3 submissions from 3 submitters: Uncertain significance (3). Last evaluated 2026-08-03.

Conditions:
PROM1-related disorder. Also called: PROM1-related condition; PROM1-related disorders.

Allele frequency attached by ClinVar (database versions not stated): gnomAD exomes 0.00001; ExAC 0.00003; gnomAD 0.00003 and 0.00004; ESP Exome Variant Server 0.00008.

Submissions (3):

PreventionGenetics, part of Exact Sciences
Classification: Uncertain significance for PROM1-related condition. Last evaluated: 2026-08-03. Review status: criteria provided, single submitter. Criteria: ACMG Guidelines, 2015. Collection method: clinical testing. Allele origin: germline.
Comment: The PROM1 c.1525G>A variant is predicted to result in the amino acid substitution p.Ala509Thr. To our knowledge, this variant has not been reported in the literature. This variant is reported in 0.017% of alleles in individuals of African descent in gnomAD. At this time, the clinical significance of this variant is uncertain due to the absence of conclusive functional and genetic evidence.

Labcorp Genetics (formerly Invitae), Labcorp
Classification: Uncertain significance. Last evaluated: 2022-03-09. Review status: criteria provided, single submitter. Criteria: Invitae Variant Classification Sherloc (09022015). Collection method: clinical testing. Allele origin: germline.
Comment: This sequence change replaces alanine, which is neutral and non-polar, with threonine, which is neutral and polar, at codon 509 of the PROM1 protein (p.Ala509Thr). This variant is present in population databases (rs367572856, gnomAD 0.02%). This variant has not been reported in the literature in individuals affected with PROM1-related conditions. Algorithms developed to predict the effect of missense changes on protein structure and function are either unavailable or do not agree on the potential impact of this missense change (SIFT: "Deleterious"; PolyPhen-2: "Possibly Damaging"; Align-GVGD: "Class C0"). In summary, the available evidence is currently insufficient to determine the role of this variant in disease. Therefore, it has been classified as a Variant of Uncertain Significance.

Blueprint Genetics
Classification: Uncertain significance. Last evaluated: 2021-06-03. Review status: criteria provided, single submitter. Criteria: ACMG Guidelines, 2015. Collection method: clinical testing. Allele origin: germline.

NM_006017.3(PROM1):c.1525G>A (p.Ala509Thr)

Gene: PROM1 (prominin 1; minus strand). Cytogenetic location: 4p15.32.
Variant type: single nucleotide variant.
Coding change: c.1525G>A on transcript NM_006017.3 (MANE Select); coding-DNA position 1525, G replaced by A.
Protein change: p.Ala509Thr; replaces alanine 509 with threonine.
Molecular consequence: missense variant.
Genome position (GRCh38, 1-based): chr4:16,000,549, C>T on the plus strand (G>A on the coding strand, the complement: PROM1 is on the minus strand). VCF-style: chr4-16000549-C-T. GRCh37 (hg19) VCF-style: chr4-16002172-C-T.
Other names: c.1525G>A (NM_006017.2); c.1498G>A, p.Ala500Thr (NM_001145847.2, NM_001145848.2, NM_001145851.2 and 4 more transcripts); c.1525G>A, p.Ala509Thr (NM_001145849.2, NM_001145850.2); short protein forms A509T, A500T.
Identifiers: ClinVar variation 1505790 (VCV001505790.8), dbSNP rs367572856, ClinGen allele CA2866743.